The following is an entry in ClinVar:

ClinVar aggregate classification (germline): Likely benign (0 of 4 stars; one submission).

Conditions:
GLI2-related disorder. Also called: GLI2-related disorders; GLI2-related condition.

Allele frequency attached by ClinVar (database versions not stated): gnomAD 0.00003; gnomAD exomes 0.00003; TOPMed 0.00005; ExAC 0.00007; 1000 Genomes Project 30x 0.00031; 1000 Genomes Project 0.00040.
gnomAD v4.1: 50 of 1,599,514 alleles (0.0031%); highest among the groups gnomAD compares: East Asian, 0.016%; no homozygotes.

Submission:

PreventionGenetics, part of Exact Sciences
Classification: Likely benign for GLI2-related condition. Last evaluated: 2023-06-20. Review status: no assertion criteria provided. Collection method: clinical testing. Allele origin: germline.
Comment: This variant is classified as likely benign based on ACMG/AMP sequence variant interpretation guidelines (Richards et al. 2015 PMID: 25741868, with internal and published modifications).

NM_001374353.1(GLI2):c.4134C>T (p.Tyr1378=)

Gene: GLI2 (GLI family zinc finger 2; plus strand). Cytogenetic location: 2q14.2.
Variant type: single nucleotide variant.
Coding change: c.4134C>T on transcript NM_001374353.1 (MANE Select); coding-DNA position 4134, C replaced by T.
Protein change: p.Tyr1378=; no amino-acid change (tyrosine 1378 retained).
Molecular consequence: synonymous variant.
Genome position (GRCh38, 1-based): chr2:120,990,099, C>T. VCF-style: chr2-120990099-C-T. GRCh37 (hg19) VCF-style: chr2-121747675-C-T.
Other names: c.4185C>T, p.Tyr1395= (NM_001371271.1, NM_005270.5); c.3759C>T, p.Tyr1253= (NM_001374354.1).
Identifiers: ClinVar variation 3030273 (VCV003030273.2), dbSNP rs540691091, ClinGen allele CA1852560.
Genomic context (GRCh38, chr2:120,990,099, plus strand): 5'-CGAGCCCAGCCCCACTGGCCGCCACCGTGGGGTACGTGCTGTGCAGCAGCAGCTGGCCTA[C>T]GCCAGGGCCACAGGCCATGCCATGGCTGCCATGCCGTCCAGTCAGGAAACAGCAGAGGCT-3'
Protein context (NP_001361282.1, residues 1368-1388): GVRAVQQQLA[Tyr1378=]ARATGHAMAA